The following is an entry in ClinVar:

NM_005591.4(MRE11):c.1165G>T (p.Val389Leu)

Gene: MRE11 (MRE11 double strand break repair nuclease; minus strand). Cytogenetic location: 11q21.
Variant type: single nucleotide variant.
Coding change: c.1165G>T on transcript NM_005591.4 (MANE Select); coding-DNA position 1165, G replaced by T.
Protein change: p.Val389Leu; replaces valine 389 with leucine.
Molecular consequence: missense variant.
Genome position (GRCh38, 1-based): chr11:94,464,173, C>A on the plus strand (G>T on the coding strand, the complement: MRE11 is on the minus strand). VCF-style: chr11-94464173-C-A. GRCh37 (hg19) VCF-style: chr11-94197339-C-A.
Other names: c.1165G>T, p.Val389Leu (NM_001330347.2, NM_005590.4); short protein forms V389L.
Identifiers: ClinVar variation 483628 (VCV000483628.13), dbSNP rs876660518, ClinGen allele CA382372856.
Genomic context (GRCh38, chr11:94,464,173, plus strand): 5'-CTGTTTTTTCCTTTTGTTCTCTATGCCTGAAAAAATGGATAATGTCTTTTGGATTAGCTA[C>A]CCGATCCACAAATTTCTGGCTAAAGCGAAGAACACTGAAAGGTTCAAAACCTCCACTATA-3'
Protein context (NP_005582.1, residues 379-399): LRFSQKFVDR[Val389Leu]ANPKDIIHFF

ClinVar aggregate classification (germline): Uncertain significance. Review status: criteria provided, multiple submitters, no conflicts (2 of 4 stars). 2 submissions from 2 submitters: Uncertain significance (2). Last evaluated 2026-01-28.

Conditions:
Ataxia-telangiectasia-like disorder (ATLD). Identifiers: MedGen C1858391, MONDO:0011457.
Hereditary cancer-predisposing syndrome. Also called: Neoplastic Syndromes, Hereditary; Tumor predisposition; Hereditary Cancer Syndrome; Hereditary neoplastic syndrome. Identifiers: Orphanet 140162, MedGen C0027672, MeSH D009386, MONDO:0015356.

Allele frequency attached by ClinVar (database versions not stated): gnomAD exomes 0.00001.
gnomAD v4.1: 10 of 1,613,798 alleles (0.00062%); highest among the groups gnomAD compares: Non-Finnish European, 0.00085%; no homozygotes.

Submissions (2):

Labcorp Genetics (formerly Invitae), Labcorp
Classification: Uncertain significance for Ataxia-telangiectasia-like disorder. Last evaluated: 2026-01-28. Review status: criteria provided, single submitter. Criteria: Invitae Variant Classification Sherloc (09022015). Collection method: clinical testing. Allele origin: germline.
Comment: This sequence change replaces valine, which is neutral and non-polar, with leucine, which is neutral and non-polar, at codon 389 of the MRE11 protein (p.Val389Leu). This variant is not present in population databases (gnomAD no frequency). This variant has not been reported in the literature in individuals affected with MRE11-related conditions. ClinVar contains an entry for this variant (Variation ID: 483628). An algorithm developed to predict the effect of missense changes on protein structure and function (PolyPhen-2) suggests that this variant is likely to be tolerated. In summary, the available evidence is currently insufficient to determine the role of this variant in disease. Therefore, it has been classified as a Variant of Uncertain Significance.

Ambry Genetics
Classification: Uncertain significance for Hereditary cancer-predisposing syndrome. Last evaluated: 2025-05-02. Review status: criteria provided, single submitter. Criteria: Ambry Variant Classification Scheme 2023. Collection method: clinical testing. Allele origin: germline.
Comment: The p.V389L variant (also known as c.1165G>T), located in coding exon 10 of the MRE11A gene, results from a G to T substitution at nucleotide position 1165. The valine at codon 389 is replaced by leucine, an amino acid with highly similar properties. This amino acid position is not well conserved in available vertebrate species. In addition, the in silico prediction for this alteration is inconclusive. Since supporting evidence is limited at this time, the clinical significance of this alteration remains unclear.